The following is an entry in ClinVar:

NM_022124.6(CDH23):c.9494G>C (p.Ser3165Thr)

Gene: CDH23 (cadherin related 23; plus strand). Cytogenetic location: 10q22.1.
Variant type: single nucleotide variant.
Coding change: c.9494G>C on transcript NM_022124.6 (MANE Select); coding-DNA position 9494, G replaced by C.
Protein change: p.Ser3165Thr; replaces serine 3165 with threonine.
Molecular consequence: missense variant.
Genome position (GRCh38, 1-based): chr10:71,812,593, G>C. VCF-style: chr10-71812593-G-C. GRCh37 (hg19) VCF-style: chr10-73572350-G-C.
Other names: c.2774G>C, p.Ser925Thr (NM_001171933.1, NM_001171934.1); c.185G>C, p.Ser62Thr (NM_001171935.1, NM_001171936.1); short protein forms S3165T, S62T, S925T.
Identifiers: ClinVar variation 1923504 (VCV001923504.2), dbSNP rs2133007260, ClinGen allele CA377136889.
Genomic context (GRCh38, chr10:71,812,593, plus strand): 5'-AGGCGGAGCATGAGGATGACCTACCGGAGAACCTGAGTGAGATCGCCGACCTGTGGAACA[G>C]CCCCACGCGCACCCATGTGAGCCAGAGGCGGTCAGGCATCACAAGGGGCAGGGGTGGAGG-3'
Protein context (NP_071407.4, residues 3155-3175): NLSEIADLWN[Ser3165Thr]PTRTHGTFGR

ClinVar aggregate classification (germline): Uncertain significance (1 of 4 stars; one submission).

Submission:

Labcorp Genetics (formerly Invitae), Labcorp
Classification: Uncertain significance. Last evaluated: 2022-08-11. Review status: criteria provided, single submitter. Criteria: Invitae Variant Classification Sherloc (09022015). Collection method: clinical testing. Allele origin: germline.
Comment: This sequence change replaces serine, which is neutral and polar, with threonine, which is neutral and polar, at codon 3165 of the CDH23 protein (p.Ser3165Thr). This variant is not present in population databases (gnomAD no frequency). This variant has not been reported in the literature in individuals affected with CDH23-related conditions. Algorithms developed to predict the effect of missense changes on protein structure and function are either unavailable or do not agree on the potential impact of this missense change (SIFT: "Deleterious"; PolyPhen-2: "Not Available"; Align-GVGD: "Class C0"). In summary, the available evidence is currently insufficient to determine the role of this variant in disease. Therefore, it has been classified as a Variant of Uncertain Significance.